The following is an entry in ClinVar:

ClinVar aggregate classification (germline): Uncertain significance (1 of 4 stars; one submission).

Conditions:
Intellectual developmental disorder, X-linked 90. Also called: DLG3-Related X-Linked Nonsyndromic Mental Retardation; Intellectual disability, X-linked 90. Identifiers: Orphanet 777, MedGen C3275443, MONDO:0010452, OMIM 300850.

Submission:

Equipe Genetique des Anomalies du Developpement, Université de Bourgogne
Classification: Uncertain significance for Intellectual developmental disorder, X-linked 90. Last evaluated: 2025-01-31. Review status: criteria provided, single submitter. Criteria: ACMG Guidelines, 2015. Collection method: clinical testing. Allele origin: germline. Affected: yes.
Comment: This variant is a missense which replaces a serine with a cysteine at position 491 and is present in the hemizygous state. Hemizygous pathogenic variants in DLG3 are reported in an autosomal dominant intellectual disability (OMIM #300850). This variant is not present in population database gnomAD (v4.1.0). It has not been reported in ClinVar and in the literature. In silico prediction scores are not conclusive. Based on these evidences, the variant was classified as of uncertain significance.

NM_021120.4(DLG3):c.1472C>G (p.Ser491Cys)

Gene: DLG3 (discs large MAGUK scaffold protein 3; plus strand). Cytogenetic location: Xq13.1.
Variant type: single nucleotide variant.
Coding change: c.1472C>G on transcript NM_021120.4 (MANE Select); coding-DNA position 1472, C replaced by G.
Protein change: p.Ser491Cys; replaces serine 491 with cysteine.
Molecular consequence: missense variant.
Genome position (GRCh38, 1-based): chrX:70,479,216, C>G. VCF-style: chrX-70479216-C-G. GRCh37 (hg19) VCF-style: chrX-69699066-C-G.
Other names: c.23C>G, p.Ser8Cys (NM_001166278.2); c.461C>G, p.Ser154Cys (NM_020730.3); short protein forms S154C, S491C, S8C.
Identifiers: ClinVar variation 3770139 (VCV003770139.1).